The following is an entry in ClinVar:

NM_000317.3(PTS):c.371T>C (p.Val124Ala)

Gene: PTS (6-pyruvoyltetrahydropterin synthase; plus strand). Cytogenetic location: 11q23.1.
Variant type: single nucleotide variant.
Coding change: c.371T>C on transcript NM_000317.3 (MANE Select); coding-DNA position 371, T replaced by C.
Protein change: p.Val124Ala; replaces valine 124 with alanine.
Molecular consequence: missense variant.
Genome position (GRCh38, 1-based): chr11:112,233,488, T>C. VCF-style: chr11-112233488-T-C. GRCh37 (hg19) VCF-style: chr11-112104211-T-C.
Other names: short protein forms V124A.
Identifiers: ClinVar variation 4849390 (VCV004849390.1).
Genomic context (GRCh38, chr11:112,233,488, plus strand): 5'-ATAGCACGACTGAAAATGTAGCTGTTTATATCTGGGACAACCTCCAGAAAGTTCTTCCTG[T>C]AGGAGTTCTTTATAAAGTAAAAGTATACGAAACTGACAATAATATTGTGGTTTATAAAGG-3'
Protein context (NP_000308.1, residues 114-134): IWDNLQKVLP[Val124Ala]GVLYKVKVYE

ClinVar aggregate classification (germline): Likely pathogenic (1 of 4 stars; one submission).

Conditions:
6-Pyruvoyl-tetrahydrobiopterin synthase deficiency. Also called: 6-Pyruvoyltetrahydropterin Synthase Deficiency; HYPERPHENYLALANINEMIA, TETRAHYDROBIOPTERIN-DEFICIENT, DUE TO PTS DEFICIENCY; PTS DEFICIENCY; Hyperphenylalanemia, BH4-deficient, A; Hyperphenylalaninemia due to 6-pyruvoyl-tetrahydropterin synthase deficiency; BH4-deficient hyperphenylalaninemia A. Identifiers: Orphanet 13, Orphanet 238583, MedGen C0878676, MONDO:0009863, OMIM 261640.

gnomAD v4.1: 7 of 1,613,512 alleles (0.00043%); highest among the groups gnomAD compares: Admixed American, 0.012%; no homozygotes.

Submission:

First Genomix Gene Laboratory, Genetic Diagnostics Department
Classification: Likely pathogenic for 6-Pyruvoyl-tetrahydrobiopterin synthase deficiency. Last evaluated: 2025-06-19. Review status: criteria provided, single submitter. Criteria: ACMG Guidelines, 2015. Collection method: clinical testing. Allele origin: germline. Inheritance: Autosomal recessive inheritance. Affected: no. Observed: 1 variant allele.